The following is an entry in ClinVar:

ClinVar aggregate classification (germline): Uncertain significance (1 of 4 stars; one submission).

Allele frequency attached by ClinVar (database versions not stated): ExAC 0.00001; gnomAD exomes 0.00001 and 0.00002; gnomAD 0.00006; TOPMed 0.00015; 1000 Genomes Project 0.00020; 1000 Genomes Project 30x 0.00031.
gnomAD v4.1: 17 of 1,598,152 alleles (0.0011%); highest among the groups gnomAD compares: Admixed American, 0.025%; no homozygotes.

Submission:

Labcorp Genetics (formerly Invitae), Labcorp
Classification: Uncertain significance. Last evaluated: 2024-10-19. Review status: criteria provided, single submitter. Criteria: Invitae Variant Classification Sherloc (09022015). Collection method: clinical testing. Allele origin: germline.
Comment: This sequence change replaces arginine, which is basic and polar, with isoleucine, which is neutral and non-polar, at codon 425 of the SPPL2A protein (p.Arg425Ile). This variant is present in population databases (rs199527244, gnomAD 0.009%). This variant has not been reported in the literature in individuals affected with SPPL2A-related conditions. ClinVar contains an entry for this variant (Variation ID: 1360582). An algorithm developed to predict the effect of missense changes on protein structure and function (PolyPhen-2) suggests that this variant is likely to be disruptive. Algorithms developed to predict the effect of sequence changes on RNA splicing suggest that this variant may disrupt the consensus splice site. In summary, the available evidence is currently insufficient to determine the role of this variant in disease. Therefore, it has been classified as a Variant of Uncertain Significance.

NM_032802.4(SPPL2A):c.1274G>T (p.Arg425Ile)

Gene: SPPL2A (signal peptide peptidase like 2A; minus strand). Cytogenetic location: 15q21.2.
Variant type: single nucleotide variant.
Coding change: c.1274G>T on transcript NM_032802.4 (MANE Select); coding-DNA position 1274, G replaced by T.
Protein change: p.Arg425Ile; replaces arginine 425 with isoleucine.
Molecular consequence: missense variant.
Genome position (GRCh38, 1-based): chr15:50,722,177, C>A on the plus strand (G>T on the coding strand, the complement: SPPL2A is on the minus strand). VCF-style: chr15-50722177-C-A. GRCh37 (hg19) VCF-style: chr15-51014374-C-A.
Other names: short protein forms R425I.
Identifiers: ClinVar variation 1360582 (VCV001360582.6), dbSNP rs199527244, ClinGen allele CA7558240.